The following is an entry in ClinVar:

NC_000023.10:g.(?_31792057)_(31950364_?)del

Gene: DMD (dystrophin; minus strand). Cytogenetic location: Xp21.1.
Variant type: Deletion.
Identifiers: ClinVar variation 455812 (VCV000455812.2).

ClinVar aggregate classification (germline): Pathogenic (1 of 4 stars; one submission).

Conditions:
Duchenne muscular dystrophy (DMD). Also called: MUSCULAR DYSTROPHY, PSEUDOHYPERTROPHIC PROGRESSIVE, DUCHENNE TYPE; Duchenne Muscular Dystrophy (DMD). Identifiers: Orphanet 98896, MedGen C0013264, MONDO:0010679, OMIM 310200.

Submission:

Labcorp Genetics (formerly Invitae), Labcorp
Classification: Pathogenic for Duchenne muscular dystrophy. Last evaluated: 2022-09-19. Review status: criteria provided, single submitter. Criteria: Invitae Variant Classification Sherloc (09022015). Collection method: clinical testing. Allele origin: germline.
Comment: This variant is a gross deletion of the genomic region encompassing exon(s) 46-51 of the DMD gene. This deletion is out-of-frame, and is expected to create a premature termination codon and result in an absent or disrupted protein product. Loss-of-function variants in DMD are known to be pathogenic (PMID: 16770791, 25007885). A similar copy number variant has been observed in individuals with Duchenne muscular dystrophy (PMID: 9007319, 9800909, 11257468). For these reasons, this variant has been classified as Pathogenic.

Literature cited by the submitters: PubMed 16770791; PubMed 25007885; PubMed 9007319; PubMed 9800909; PubMed 11257468.